The following is an entry in ClinVar:

NM_000174.5(GP9):c.259T>C (p.Trp87Arg)

Gene: GP9 (glycoprotein IX platelet; plus strand). Cytogenetic location: 3q21.3.
Variant type: single nucleotide variant.
Coding change: c.259T>C on transcript NM_000174.5 (MANE Select); coding-DNA position 259, T replaced by C.
Protein change: p.Trp87Arg; replaces tryptophan 87 with arginine.
Molecular consequence: missense variant.
Genome position (GRCh38, 1-based): chr3:129,061,998, T>C. VCF-style: chr3-129061998-T-C. GRCh37 (hg19) VCF-style: chr3-128780841-T-C.
Other names: NM_000174.5(GP9):c.259T>C; p.Trp87Arg; short protein forms W87R.
Identifiers: ClinVar variation 1691236 (VCV001691236.3), dbSNP rs766253334, ClinGen allele CA354447740.

ClinVar aggregate classification (germline): Uncertain significance. Review status: reviewed by expert panel (3 of 4 stars). 3 submissions from 3 submitters: Uncertain significance (1). 2 of the submissions do not count toward it. Last evaluated 2025-02-11.

Conditions:
Bernard Soulier syndrome (BSS). Also called: Platelet Glycoprotein 1b, Deficiency of; GLYCOPROTEIN Ib, PLATELET, DEFICIENCY OF; PLATELET GLYCOPROTEIN Ib DEFICIENCY; BLEEDING DISORDER, PLATELET-TYPE, 1; VON WILLEBRAND FACTOR RECEPTOR DEFICIENCY; Giant platelet syndrome. Identifiers: Orphanet 274, MedGen C0005129, MeSH D001606, MONDO:0009276, OMIM 231200.

Submissions (3):

ClinGen Platelet Disorders Variant Curation Expert Panel, ClinGen
Classification: Uncertain significance for Bernard Soulier syndrome. Last evaluated: 2025-02-11. Review status: reviewed by expert panel. Criteria: ClinGen Platelet ACMG Specifications GP9 V1.0.0. Collection method: curation. Allele origin: germline. Inheritance: Autosomal recessive inheritance.
Comment: The c.259T>C variant in GP9 is a missense variant predicted to cause substitution of Tryptophan by Arginine at amino acid 87. At least one patient (BSS-1 in PMID: 25539746) with this variant had macrothrombocytopenia and less than 10% expression of GPIba and GP9 measured by flow cytometry which together are highly specific for Bernard-Soulier syndrome (PP4). This proband was homozygous for the variant (PM3_supporting, PMID: 25539746). This variant is absent from gnomAD v4.1 (PM2_Supporting). The computational predictor REVEL gives a score of 0.716, which is above the ClinGen PD VCEP threshold of >0.644 and predicts a damaging effect on function (PP3). In summary, this variant meets the criteria to be classified as VUS- insufficient evidence for autosomal recessive Bernard-Soulier syndrome based on the ACMG/AMP criteria applied, as specified by the ClinGen PD VCEP: PM2_Supporting, PP3, PP4, PM3_Supporting. (VCEP specifications version 1)

Women's Health and Genetics/Laboratory Corporation of America, LabCorp
Classification: Uncertain significance. Last evaluated: 2025-02-11. Review status: criteria provided, single submitter. Criteria: LabCorp Variant Classification Summary - May 2015. Collection method: clinical testing. Allele origin: germline. Not counted in ClinVar's aggregate classification.
Comment: Variant summary: GP9 c.259T>C (p.Trp87Arg) results in a non-conservative amino acid change located in the Leucine rich repeat (IPR001611) of the encoded protein sequence. Five of five in-silico tools predict a damaging effect of the variant on protein function. The variant was absent in 247076 control chromosomes (gnomAD). c.259T>C has been reported in the literature in at least an individual affected with Bernard Soulier Syndrome (Snchez-Guiu_2014). These data indicate that the variant may be associated with disease. To our knowledge, no experimental evidence demonstrating an impact on protein function has been reported. The following publication has been ascertained in the context of this evaluation (PMID: 25539746). ClinVar contains an entry for this variant (Variation ID: 1691236). Based on the evidence outlined above, the variant was classified as VUS-possibly pathogenic.

ISTH-SSC Genomics in Thrombosis and Hemostasis, KU Leuven, Center for Molecular and Vascular Biology
Classification: Likely pathogenic for Bernard Soulier syndrome. Review status: no assertion criteria provided. Collection method: research. Allele origin: germline. Affected: yes. Not counted in ClinVar's aggregate classification.
Comment: Submitted to GoldVariant by Jose María Bastida from Grupo Español de Alteraciones Plaquetarias Congénitas (GEAPC), Salamanca, Spain

Literature cited by the submitters: PubMed 25539746 (cited by Women's Health and Genetics/Laboratory Corporation of America, LabCorp).